The following is an entry in ClinVar:

ClinVar aggregate classification (germline): Likely benign. Review status: criteria provided, single submitter (1 of 4 stars). 2 submissions from 2 submitters: Likely benign (1). 1 of the submissions does not count toward it. Last evaluated 2025-11-01.

Conditions:
LSM11-related disorder. Also called: LSM11-related condition.

Allele frequency attached by ClinVar (database versions not stated): gnomAD exomes 0.00014; ExAC 0.00040; gnomAD 0.00143; TOPMed 0.00171; 1000 Genomes Project 0.00200; ESP Exome Variant Server 0.00208; 1000 Genomes Project 30x 0.00281.
gnomAD v4.1: 428 of 1,614,196 alleles (0.027%); highest among the groups gnomAD compares: African/African-American, 0.51%; 2 homozygotes.

Submissions (2):

CeGaT Center for Human Genetics Tuebingen
Classification: Likely benign. Last evaluated: 2025-11-01. Review status: criteria provided, single submitter. Criteria: CeGaT Center For Human Genetics Tuebingen Variant Classification Criteria Version 2. Collection method: clinical testing. Allele origin: germline. Affected: yes. Observed: 1 variant allele.
Comment: LSM11: BP4, BP7

PreventionGenetics, part of Exact Sciences
Classification: Likely benign for LSM11-related condition. Last evaluated: 2022-05-31. Review status: no assertion criteria provided. Collection method: clinical testing. Allele origin: germline. Not counted in ClinVar's aggregate classification.
Comment: This variant is classified as likely benign based on ACMG/AMP sequence variant interpretation guidelines (Richards et al. 2015 PMID: 25741868, with internal and published modifications).

NM_173491.4(LSM11):c.843C>G (p.Val281=)

Gene: LSM11 (LSM11, U7 small nuclear RNA associated; plus strand). Cytogenetic location: 5q33.3.
Variant type: single nucleotide variant.
Coding change: c.843C>G on transcript NM_173491.4 (MANE Select); coding-DNA position 843, C replaced by G.
Protein change: p.Val281=; no amino-acid change (valine 281 retained).
Molecular consequence: synonymous variant.
Genome position (GRCh38, 1-based): chr5:157,755,024, C>G. VCF-style: chr5-157755024-C-G. GRCh37 (hg19) VCF-style: chr5-157182032-C-G.
Identifiers: ClinVar variation 3034792 (VCV003034792.8), dbSNP rs139540073, ClinGen allele CA3536796.